The following is an entry in ClinVar:

NM_001378964.1(CDON):c.*3409T>G

Gene: CDON (cell adhesion associated, oncogene regulated; minus strand). Cytogenetic location: 11q24.2.
Variant type: single nucleotide variant.
Coding change: c.*3409T>G on transcript NM_001378964.1 (MANE Select); 3409 bases downstream of the stop codon, T replaced by G.
Molecular consequence: 3 prime UTR variant.
Genome position (GRCh38, 1-based): chr11:125,957,533, A>C on the plus strand (T>G on the coding strand, the complement: CDON is on the minus strand). VCF-style: chr11-125957533-A-C. GRCh37 (hg19) VCF-style: chr11-125827428-A-C.
Other names: c.*3409T>G (NM_001243597.3, NM_016952.6).
Identifiers: ClinVar variation 303388 (VCV000303388.5), dbSNP rs141160538, ClinGen allele CA10638277.

ClinVar aggregate classification (germline): Benign (1 of 4 stars; one submission).

Conditions:
Holoprosencephaly 11 (HPE11). Identifiers: Orphanet 2162, MedGen C3280215, MONDO:0013642, OMIM 614226.

Allele frequency attached by ClinVar (database versions not stated): gnomAD 0.00465; TOPMed 0.00553; 1000 Genomes Project 30x 0.00765; 1000 Genomes Project 0.00779.

Submission:

Illumina Laboratory Services, Illumina
Classification: Benign for Holoprosencephaly 11. Last evaluated: 2018-01-13. Review status: criteria provided, single submitter. Criteria: ICSL Variant Classification Criteria 13 December 2019. Collection method: clinical testing. Allele origin: germline.
Comment: This variant was observed in the ICSL laboratory as part of a predisposition screen in an ostensibly healthy population. It had not been previously curated by ICSL or reported in the Human Gene Mutation Database (HGMD: prior to June 1st, 2018), and was therefore a candidate for classification through an automated scoring system. Utilizing variant allele frequency, disease prevalence and penetrance estimates, and inheritance mode, an automated score was calculated to assess if this variant is too frequent to cause the disease. Based on the score and internal cut-off values, a variant classified as benign is not then subjected to further curation. The score for this variant resulted in a classification of benign for this disease.